The following is an entry in ClinVar:

NM_018136.5(ASPM):c.9190C>T (p.Arg3064Ter)

Gene: ASPM (assembly factor for spindle microtubules; minus strand). Cytogenetic location: 1q31.3.
Variant type: single nucleotide variant.
Coding change: c.9190C>T on transcript NM_018136.5 (MANE Select); coding-DNA position 9190, C replaced by T.
Protein change: p.Arg3064Ter; replaces arginine 3064 with a stop codon.
Molecular consequence: nonsense.
Genome position (GRCh38, 1-based): chr1:197,093,156, G>A on the plus strand (C>T on the coding strand, the complement: ASPM is on the minus strand). VCF-style: chr1-197093156-G-A. GRCh37 (hg19) VCF-style: chr1-197062286-G-A.
Other names: c.4435C>T, p.Arg1479Ter (NM_001206846.2); short protein forms R3064*, R1479*.
Identifiers: ClinVar variation 21621 (VCV000021621.26), dbSNP rs199422185, ClinGen allele CA342289.

ClinVar aggregate classification (germline): Pathogenic. Review status: criteria provided, multiple submitters, no conflicts (2 of 4 stars). 12 submissions from 12 submitters: Pathogenic (8). 4 of the submissions do not count toward it. Last evaluated 2026-01-06.

Conditions:
Microcephaly 5, primary, autosomal recessive (MCPH5). Also called: ASPM Primary Microcephaly. Identifiers: Orphanet 2512, MedGen C1837501, MONDO:0012106, OMIM 608716.

Allele frequency attached by ClinVar (database versions not stated): ExAC 0.00002; gnomAD exomes 0.00003; TOPMed 0.00003; gnomAD 0.00004.
gnomAD v4.1: 35 of 1,611,948 alleles (0.0022%); highest among the groups gnomAD compares: Non-Finnish European, 0.0027%; no homozygotes.

Submissions (12):

Health Biotechnology Lab, Government College University Faisalabad
Classification: Pathogenic for Microcephaly 5, primary, autosomal recessive. Last evaluated: 2026-01-06. Review status: criteria provided, single submitter. Criteria: ACMG Guidelines, 2015. Collection method: research. Allele origin: biparental. Inheritance: Autosomal recessive inheritance. Affected: yes. Observed: 3 homozygotes. Clinical features observed: Primary microcephaly (HP:0011451), Intellectual disability (HP:0001249), Abnormal facial shape (HP:0001999).
Comment: Loss of function variants in ASPM are well documented in association with primary microcephaly. This loss of function variant (PVS1) (ASPM NM_018136.5:c.9190C>T, p.(Arg3064*)) was identified in a family presenting with primary microcephaly, and co-segregated in affected individuals (PP1_mod). This variant is rare, present at low allele frequencies in gnomAD (0.00002171), with no homozygotes present (PM2). This variant has been reported in association with MCPH prior (Bond et al., 2003)

CeGaT Center for Human Genetics Tuebingen
Classification: Pathogenic. Last evaluated: 2025-09-01. Review status: criteria provided, single submitter. Criteria: CeGaT Center For Human Genetics Tuebingen Variant Classification Criteria Version 2. Collection method: clinical testing. Allele origin: germline. Affected: yes. Observed: 1 variant allele.
Comment: ASPM: PVS1, PM2, PM3:Supporting

Labcorp Genetics (formerly Invitae), Labcorp
Classification: Pathogenic. Last evaluated: 2025-08-09. Review status: criteria provided, single submitter. Criteria: Invitae Variant Classification Sherloc (09022015). Collection method: clinical testing. Allele origin: germline.
Comment: This sequence change creates a premature translational stop signal (p.Arg3064*) in the ASPM gene. It is expected to result in an absent or disrupted protein product. Loss-of-function variants in ASPM are known to be pathogenic (PMID: 19028728, 23611254). This variant is present in population databases (rs199422185, gnomAD 0.006%). This premature translational stop signal has been observed in individual(s) with clinical features of ASPM-related conditions (PMID: 14574646, 32404165, 32677750). ClinVar contains an entry for this variant (Variation ID: 21621). For these reasons, this variant has been classified as Pathogenic.

Genome-Nilou Lab
Classification: Pathogenic for Microcephaly 5, primary, autosomal recessive. Last evaluated: 2023-04-11. Review status: criteria provided, single submitter. Criteria: ACMG Guidelines, 2015. Collection method: clinical testing. Allele origin: germline. Affected: no.

3billion
Classification: Pathogenic for Microcephaly 5, primary, autosomal recessive. Last evaluated: 2022-09-01. Review status: criteria provided, single submitter. Criteria: ACMG Guidelines, 2015. Collection method: clinical testing. Allele origin: germline. Affected: yes. Observed: 1 homozygote.
Comment: The variant is observed at an extremely low frequency in the gnomAD v2.1.1 dataset (total allele frequency: 0.003%). Stop-gained (nonsense) is predicted to result in a loss or disruption of normal protein function through nonsense-mediated decay (NMD) or protein truncation. Multiple pathogenic variants are reported downstream of the variant. The variant has been reported at least twice as pathogenic without evidence for the classification (ClinVar ID: VCV000021621 / PMID: 14574646). Therefore, this variant is classified as Pathogenic according to the recommendation of ACMG/AMP guideline.

Centre of Medical Genetics, University Hospital Muenster
Classification: Pathogenic. Last evaluated: 2021-12-05. Review status: criteria provided, single submitter. Criteria: ACMG Guidelines, 2015. Collection method: clinical testing. Allele origin: unknown. Affected: yes. Observed: 1 variant allele, 1 heterozygote.
Comment: ACMG categories: PVS1,PM2,PM3,PP4,PP5

Genetics and Molecular Pathology, SA Pathology
Classification: Pathogenic for Microcephaly 5, primary, autosomal recessive. Last evaluated: 2020-11-19. Review status: criteria provided, single submitter. Criteria: ACMG Guidelines, 2015. Collection method: clinical testing. Allele origin: germline. Affected: yes.

GeneDx
Classification: Pathogenic. Last evaluated: 2017-04-14. Review status: criteria provided, single submitter. Criteria: GeneDx Variant Classification (06012015). Collection method: clinical testing. Allele origin: germline. Affected: yes.
Comment: The R3064X nonsense variant in the ASPM gene has been reported previously in association with primary autosomal recessive microcephaly (MCPH) (Bond et al., 2003). The R3064X variant was not observed in approximately 6,500 individuals of European and African American ancestry in the NHLBI Exome Sequencing Project, indicating it is not a common benign variant in these populations. This pathogenic variant is predicted to cause loss of normal protein function either through protein truncation or nonsense-mediated mRNA decay.

Clinical Genetics DNA and cytogenetics Diagnostics Lab, Erasmus MC, Erasmus Medical Center
Classification: Pathogenic. Review status: no assertion criteria provided. Collection method: clinical testing. Allele origin: germline. Affected: yes. Study: VKGL Data-share Consensus. Not counted in ClinVar's aggregate classification.

GeneReviews
No classification provided. Condition: Microcephaly 5, primary, autosomal recessive. Review status: no classification provided. Collection method: literature only. Allele origin: unknown. Not counted in ClinVar's aggregate classification.

Genome Diagnostics Laboratory, University Medical Center Utrecht
Classification: Pathogenic. Review status: no assertion criteria provided. Collection method: clinical testing. Allele origin: germline. Affected: yes. Study: VKGL Data-share Consensus. Not counted in ClinVar's aggregate classification.

Joint Genome Diagnostic Labs from Nijmegen and Maastricht, Radboudumc and MUMC+
Classification: Pathogenic. Review status: no assertion criteria provided. Collection method: clinical testing. Allele origin: germline. Affected: yes. Study: VKGL Data-share Consensus. Not counted in ClinVar's aggregate classification.

Literature cited by the submitters: PubMed 14574646 (cited by 3 submitters); PubMed 19028728 (cited by Labcorp Genetics (formerly Invitae), Labcorp); PubMed 23611254 (cited by Labcorp Genetics (formerly Invitae), Labcorp); PubMed 32404165 (cited by Labcorp Genetics (formerly Invitae), Labcorp); PubMed 32677750 (cited by Labcorp Genetics (formerly Invitae), Labcorp); PubMed 20301772 (cited by GeneReviews); NCBI Bookshelf NBK9587 (cited by GeneReviews).